The following is an entry in ClinVar:

ClinVar aggregate classification (germline): Uncertain significance. Review status: criteria provided, multiple submitters, no conflicts (2 of 4 stars). 3 submissions from 3 submitters: Uncertain significance (2). 1 of the submissions does not count toward it. Last evaluated 2024-06-11.

Conditions:
Tumor predisposition syndrome 3 (TPDS3). Also called: Melanoma, cutaneous malignant, susceptibility to, 10; Glioma susceptibility 9; LONG TELOMERE SYNDROME, POT1-RELATED; POT1 Tumor Predisposition. Identifiers: Orphanet 618, MedGen C4014476, MONDO:0014368, OMIM 615848.
Hereditary cancer-predisposing syndrome. Also called: Neoplastic Syndromes, Hereditary; Hereditary Cancer Syndrome; Tumor predisposition; Hereditary neoplastic syndrome. Identifiers: Orphanet 140162, MedGen C0027672, MeSH D009386, MONDO:0015356.

Allele frequency attached by ClinVar (database versions not stated): gnomAD 0.00001; gnomAD exomes below 0.00001.
gnomAD v4.1: 2 of 1,612,146 alleles (0.00012%); highest among the groups gnomAD compares: Admixed American, 0.0017%; no homozygotes.

Submissions (3):

Labcorp Genetics (formerly Invitae), Labcorp
Classification: Uncertain significance for Tumor predisposition syndrome 3. Last evaluated: 2024-06-11. Review status: criteria provided, single submitter. Criteria: Invitae Variant Classification Sherloc (09022015). Collection method: clinical testing. Allele origin: germline.
Comment: This sequence change replaces glutamine, which is neutral and polar, with glutamic acid, which is acidic and polar, at codon 94 of the POT1 protein (p.Gln94Glu). This variant is present in population databases (no rsID available, gnomAD 0.003%). This missense change has been observed in individual(s) with melanoma (PMID: 24686849). ClinVar contains an entry for this variant (Variation ID: 139522). Advanced modeling of protein sequence and biophysical properties (such as structural, functional, and spatial information, amino acid conservation, physicochemical variation, residue mobility, and thermodynamic stability) performed at Invitae indicates that this missense variant is not expected to disrupt POT1 protein function with a negative predictive value of 80%. Experimental studies have shown that this missense change affects POT1 function (PMID: 24686849). In summary, the available evidence is currently insufficient to determine the role of this variant in disease. Therefore, it has been classified as a Variant of Uncertain Significance.

Ambry Genetics
Classification: Uncertain significance for Hereditary cancer-predisposing syndrome. Last evaluated: 2024-01-10. Review status: criteria provided, single submitter. Criteria: Ambry Variant Classification Scheme 2023. Collection method: clinical testing. Allele origin: germline.
Comment: The p.Q94E variant (also known as c.280C>G), located in coding exon 4 of the POT1 gene, results from a C to G substitution at nucleotide position 280. The glutamine at codon 94 is replaced by glutamic acid, an amino acid with highly similar properties. This alteration was identified in an individual diagnosed with melanoma (Robles-Espinoza CD et al. Nat Genet, 2014 May;46:478-481). This amino acid position is highly conserved in available vertebrate species. In addition, the in silico prediction for this alteration is inconclusive. Since supporting evidence is limited at this time, the clinical significance of this alteration remains unclear.

OMIM
Classification: Pathogenic for TUMOR PREDISPOSITION SYNDROME 3. Last evaluated: 2014-05-01. Review status: no assertion criteria provided. Collection method: literature only. Allele origin: germline. Not counted in ClinVar's aggregate classification.

Literature cited by the submitters: PubMed 24686849 (cited by 3 submitters).

NM_015450.3(POT1):c.280C>G (p.Gln94Glu)

Gene: POT1 (protection of telomeres 1; minus strand). Cytogenetic location: 7q31.33.
Variant type: single nucleotide variant.
Coding change: c.280C>G on transcript NM_015450.3 (MANE Select); coding-DNA position 280, C replaced by G.
Protein change: p.Gln94Glu; replaces glutamine 94 with glutamic acid.
Molecular consequence: missense variant. On other transcripts: 5 prime UTR variant (1), non-coding transcript variant (3).
Genome position (GRCh38, 1-based): chr7:124,863,616, G>C on the plus strand (C>G on the coding strand, the complement: POT1 is on the minus strand). VCF-style: chr7-124863616-G-C. GRCh37 (hg19) VCF-style: chr7-124503670-G-C.
Other names: c.-114C>G (NM_001042594.2); short protein forms Q94E.
Identifiers: ClinVar variation 139522 (VCV000139522.13), dbSNP rs587777474, ClinGen allele CA163229.
Genomic context (GRCh38, chr7:124,863,616, plus strand): 5'-TAGGGGCTCCCAAAGTTCCCTCAAACGTCAAAGATGCAAAGCCAGAGCTGGTGATACCCT[G>C]AGTCTCCTTTTTATATACTTGAATCTAAGAAAGTAGGGCAAAGTAGAAAACAGATACAAA-3'
Protein context (NP_056265.2, residues 84-104): LKIQVYKKET[Gln94Glu]GITSSGFASL